The following is an entry in ClinVar:

ClinVar aggregate classification (germline): Uncertain significance (1 of 4 stars; one submission).

Conditions:
Inborn genetic diseases. Identifiers: MedGen C0950123, MeSH D030342.

gnomAD v4.1: 27 of 1,614,118 alleles (0.0017%); highest among the groups gnomAD compares: Non-Finnish European, 0.0022%; no homozygotes.

Submission:

Ambry Genetics
Classification: Uncertain significance for Inborn genetic diseases. Last evaluated: 2025-04-12. Review status: criteria provided, single submitter. Criteria: Ambry Variant Classification Scheme 2023. Collection method: clinical testing. Allele origin: germline.
Comment: The p.G236A variant (also known as c.707G>C), located in coding exon 7 of the USB1 gene, results from a G to C substitution at nucleotide position 707. The glycine at codon 236 is replaced by alanine, an amino acid with similar properties. This amino acid position is conserved. In addition, this alteration is predicted to be tolerated by in silico analysis. Based on the available evidence, the clinical significance of this variant remains unclear.

NM_024598.4(USB1):c.707G>C (p.Gly236Ala)

Gene: USB1 (U6 snRNA biogenesis phosphodiesterase 1; plus strand). Cytogenetic location: 16q21.
Variant type: single nucleotide variant.
Coding change: c.707G>C on transcript NM_024598.4 (MANE Select); coding-DNA position 707, G replaced by C.
Protein change: p.Gly236Ala; replaces glycine 236 with alanine.
Molecular consequence: missense variant.
Genome position (GRCh38, 1-based): chr16:58,020,154, G>C. VCF-style: chr16-58020154-G-C. GRCh37 (hg19) VCF-style: chr16-58054058-G-C.
Other names: c.653G>C, p.Gly218Ala (NM_001195302.2); c.554G>C, p.Gly185Ala (NM_001330568.2); short protein forms G185A, G218A, G236A.
Identifiers: ClinVar variation 3978155 (VCV003978155.1).